The following is an entry in ClinVar:

NM_001040142.2(SCN2A):c.4118A>G (p.Glu1373Gly)

Gene: SCN2A (sodium voltage-gated channel alpha subunit 2; plus strand). Cytogenetic location: 2q24.3.
Variant type: single nucleotide variant.
Coding change: c.4118A>G on transcript NM_001040142.2 (MANE Select); coding-DNA position 4118, A replaced by G.
Protein change: p.Glu1373Gly; replaces glutamic acid 1373 with glycine.
Molecular consequence: missense variant.
Genome position (GRCh38, 1-based): chr2:165,374,830, A>G. VCF-style: chr2-165374830-A-G. GRCh37 (hg19) VCF-style: chr2-166231340-A-G.
Other names: c.4118A>G, p.Glu1373Gly (NM_001040143.2, NM_001371246.1, NM_001371247.1 and 1 more transcripts); short protein forms E1373G.
Identifiers: ClinVar variation 574739 (VCV000574739.12), dbSNP rs918734456, ClinGen allele CA59741944.

ClinVar aggregate classification (germline): Uncertain significance. Review status: criteria provided, multiple submitters, no conflicts (2 of 4 stars). 2 submissions from 2 submitters: Uncertain significance (2). Last evaluated 2025-05-05.

Conditions:
Developmental and epileptic encephalopathy, 11 (DEE11). Also called: Early infantile epileptic encephalopathy 11. Identifiers: Orphanet 1934, MedGen C3150987, MONDO:0013388, OMIM 613721.
Seizures, benign familial infantile, 3 (BFIS3). Also called: CONVULSIONS, BENIGN FAMILIAL INFANTILE, 3; Familial neonatal seizures. Identifiers: Orphanet 140927, Orphanet 306, MedGen C1843140, MONDO:0011904, OMIM 607745.

gnomAD v4.1: 1 of 1,613,608 alleles (0.000062%); highest among the groups gnomAD compares: Admixed American, 0.0017%; no homozygotes.

Submissions (2):

Labcorp Genetics (formerly Invitae), Labcorp
Classification: Uncertain significance for Seizures, benign familial infantile, 3; Developmental and epileptic encephalopathy, 11. Last evaluated: 2025-05-05. Review status: criteria provided, single submitter. Criteria: Invitae Variant Classification Sherloc (09022015). Collection method: clinical testing. Allele origin: germline.
Comment: This sequence change replaces glutamic acid, which is acidic and polar, with glycine, which is neutral and non-polar, at codon 1373 of the SCN2A protein (p.Glu1373Gly). This variant is not present in population databases (gnomAD no frequency). This variant has not been reported in the literature in individuals affected with SCN2A-related conditions. ClinVar contains an entry for this variant (Variation ID: 574739). Invitae Evidence Modeling of protein sequence and biophysical properties (such as structural, functional, and spatial information, amino acid conservation, physicochemical variation, residue mobility, and thermodynamic stability) has been performed for this missense variant. However, the output from this modeling did not meet the statistical confidence thresholds required to predict the impact of this variant on SCN2A protein function. In summary, the available evidence is currently insufficient to determine the role of this variant in disease. Therefore, it has been classified as a Variant of Uncertain Significance.

GeneDx
Classification: Uncertain significance. Last evaluated: 2024-10-03. Review status: criteria provided, single submitter. Criteria: GeneDx Variant Classification Process June 2021. Collection method: clinical testing. Allele origin: germline. Affected: yes.
Comment: Not observed at significant frequency in large population cohorts (gnomAD); Missense variants in this gene are a common cause of disease and they are underrepresented in the general population; In silico analysis indicates that this missense variant does not alter protein structure/function; Has not been previously published as pathogenic or benign to our knowledge; This substitution is predicted to be within the extracellular loop between the S5 and S6 transmembrane segments of the third homologous domain